The following is an entry in ClinVar:

NM_172107.4(KCNQ2):c.2551C>A (p.Pro851Thr)

Gene: KCNQ2 (potassium voltage-gated channel subfamily Q member 2; minus strand). Cytogenetic location: 20q13.33.
Variant type: single nucleotide variant.
Coding change: c.2551C>A on transcript NM_172107.4 (MANE Select); coding-DNA position 2551, C replaced by A.
Protein change: p.Pro851Thr; replaces proline 851 with threonine.
Molecular consequence: missense variant.
Genome position (GRCh38, 1-based): chr20:63,406,712, G>T on the plus strand (C>A on the coding strand, the complement: KCNQ2 is on the minus strand). VCF-style: chr20-63406712-G-T. GRCh37 (hg19) VCF-style: chr20-62038065-G-T.
Other names: c.2605C>A, p.Pro869Thr (NM_001382235.1); c.2467C>A, p.Pro823Thr (NM_004518.6); c.2497C>A, p.Pro833Thr (NM_172106.3); c.2458C>A, p.Pro820Thr (NM_172108.5); short protein forms P820T, P823T, P833T, P851T, P869T.
Identifiers: ClinVar variation 3372007 (VCV003372007.3).

ClinVar aggregate classification (germline): Uncertain significance. Review status: criteria provided, multiple submitters, no conflicts (2 of 4 stars). 2 submissions from 2 submitters: Uncertain significance (2). Last evaluated 2025-06-02.

Conditions:
Early-infantile DEE. Also called: Ohtahara syndrome; Early infantile epileptic encephalopathy; Early infantile epileptic encephalopathy with suppression bursts. Identifiers: Orphanet 1934, MedGen C0393706, MONDO:0800491.

gnomAD v4.1: 1 of 1,605,462 alleles (0.000062%); no homozygotes.

Submissions (2):

Labcorp Genetics (formerly Invitae), Labcorp
Classification: Uncertain significance for Early-infantile DEE. Last evaluated: 2025-06-02. Review status: criteria provided, single submitter. Criteria: Invitae Variant Classification Sherloc (09022015). Collection method: clinical testing. Allele origin: germline.
Comment: This sequence change replaces proline, which is neutral and non-polar, with threonine, which is neutral and polar, at codon 851 of the KCNQ2 protein (p.Pro851Thr). This variant is not present in population databases (gnomAD no frequency). This variant has not been reported in the literature in individuals affected with KCNQ2-related conditions. ClinVar contains an entry for this variant (Variation ID: 3372007). Invitae Evidence Modeling of protein sequence and biophysical properties (such as structural, functional, and spatial information, amino acid conservation, physicochemical variation, residue mobility, and thermodynamic stability) indicates that this missense variant is not expected to disrupt KCNQ2 protein function with a negative predictive value of 95%. In summary, the available evidence is currently insufficient to determine the role of this variant in disease. Therefore, it has been classified as a Variant of Uncertain Significance.

GeneDx
Classification: Uncertain significance. Last evaluated: 2024-04-06. Review status: criteria provided, single submitter. Criteria: GeneDx Variant Classification Process June 2021. Collection method: clinical testing. Allele origin: germline. Affected: yes.
Comment: Not observed at significant frequency in large population cohorts (gnomAD); In silico analysis indicates that this missense variant does not alter protein structure/function; Has not been previously published as pathogenic or benign to our knowledge